The following is an entry in ClinVar:

NM_006950.3(SYN1):c.953A>C (p.Lys318Thr)

Gene: SYN1 (synapsin I; minus strand). Cytogenetic location: Xp11.3.
Variant type: single nucleotide variant.
Coding change: c.953A>C on transcript NM_006950.3 (MANE Select); coding-DNA position 953, A replaced by C.
Protein change: p.Lys318Thr; replaces lysine 318 with threonine.
Molecular consequence: missense variant.
Genome position (GRCh38, 1-based): chrX:47,576,525, T>G on the plus strand (A>C on the coding strand, the complement: SYN1 is on the minus strand). VCF-style: chrX-47576525-T-G. GRCh37 (hg19) VCF-style: chrX-47435924-T-G.
Other names: c.953A>C, p.Lys318Thr (NM_133499.2); short protein forms K318T.
Identifiers: ClinVar variation 1010502 (VCV001010502.14), dbSNP rs2057778186, ClinGen allele CA412826963.

ClinVar aggregate classification (germline): Uncertain significance. Review status: criteria provided, multiple submitters, no conflicts (2 of 4 stars). 2 submissions from 2 submitters: Uncertain significance (2). Last evaluated 2026-04-20.

Conditions:
Epilepsy, X-linked 1, with variable learning disabilities and behavior disorders. Also called: X-linked epilepsy-learning disabilities-behavior disorders syndrome. Identifiers: Orphanet 85294, MedGen C5774177, MONDO:0010339, OMIM 300491.

Submissions (2):

GeneDx
Classification: Uncertain significance. Last evaluated: 2026-04-20. Review status: criteria provided, single submitter. Criteria: GeneDx Variant Classification Process June 2021. Collection method: clinical testing. Allele origin: germline.
Comment: Not observed at significant frequency in large population cohorts (gnomAD); In silico analysis supports that this missense variant has a deleterious effect on protein structure/function; Has not been previously published as pathogenic or benign to our knowledge

Labcorp Genetics (formerly Invitae), Labcorp
Classification: Uncertain significance for Epilepsy, X-linked 1, with variable learning disabilities and behavior disorders. Last evaluated: 2020-03-17. Review status: criteria provided, single submitter. Criteria: Invitae Variant Classification Sherloc (09022015). Collection method: clinical testing. Allele origin: germline.
Comment: This sequence change replaces lysine with threonine at codon 318 of the SYN1 protein (p.Lys318Thr). The lysine residue is highly conserved and there is a moderate physicochemical difference between lysine and threonine. This variant is not present in population databases (ExAC no frequency). This variant has not been reported in the literature in individuals with SYN1-related conditions. Algorithms developed to predict the effect of missense changes on protein structure and function are either unavailable or do not agree on the potential impact of this missense change (SIFT: "Deleterious"; PolyPhen-2: "Probably Damaging"; Align-GVGD: "Class C0"). In summary, the available evidence is currently insufficient to determine the role of this variant in disease. Therefore, it has been classified as a Variant of Uncertain Significance.